The following is an entry in ClinVar:

ClinVar aggregate classification (germline): Uncertain significance (1 of 4 stars; one submission).

Allele frequency attached by ClinVar (database versions not stated): TOPMed below 0.00001; ExAC 0.00001; gnomAD exomes 0.00001.
gnomAD v4.1: 16 of 1,614,182 alleles (0.00099%); highest among the groups gnomAD compares: Admixed American, 0.0017%; no homozygotes.

Submission:

Labcorp Genetics (formerly Invitae), Labcorp
Classification: Uncertain significance. Last evaluated: 2021-08-02. Review status: criteria provided, single submitter. Criteria: Invitae Variant Classification Sherloc (09022015). Collection method: clinical testing. Allele origin: germline.
Comment: This sequence change replaces threonine with methionine at codon 43 of the SLC7A14 protein (p.Thr43Met). The threonine residue is weakly conserved and there is a moderate physicochemical difference between threonine and methionine. This variant is present in population databases (rs761358624, ExAC 0.002%). This variant has not been reported in the literature in individuals affected with SLC7A14-related conditions. Algorithms developed to predict the effect of missense changes on protein structure and function (SIFT, PolyPhen-2, Align-GVGD) all suggest that this variant is likely to be tolerated. In summary, the available evidence is currently insufficient to determine the role of this variant in disease. Therefore, it has been classified as a Variant of Uncertain Significance.

NM_020949.3(SLC7A14):c.128C>T (p.Thr43Met)

Genes: SLC7A14 (solute carrier family 7 member 14; minus strand), SLC7A14-AS1 (SLC7A14 antisense RNA 1; plus strand). Cytogenetic location: 3q26.2.
Variant type: single nucleotide variant.
Coding change: c.128C>T on transcript NM_020949.3 (MANE Select); coding-DNA position 128, C replaced by T.
Protein change: p.Thr43Met; replaces threonine 43 with methionine.
Molecular consequence: missense variant.
Genome position (GRCh38, 1-based): chr3:170,526,809, G>A on the plus strand (C>T on the coding strand, the complement: SLC7A14 is on the minus strand). VCF-style: chr3-170526809-G-A. GRCh37 (hg19) VCF-style: chr3-170244598-G-A.
Other names: short protein forms T43M.
Identifiers: ClinVar variation 1360682 (VCV001360682.6), dbSNP rs761358624, ClinGen allele CA2702007.